The following is an entry in ClinVar:

NM_000516.7(GNAS):c.891_905del (p.Glu299_Ala303del)

Gene: GNAS (GNAS complex locus; plus strand). Cytogenetic location: 20q13.32.
Variant type: Deletion.
Coding change: c.891_905del on transcript NM_000516.7 (MANE Select); coding-DNA positions 891 to 905, 15 bases deleted (CGCTGAGAAAGTCCT).
Protein change: p.Glu299_Ala303del.
Molecular consequence: inframe deletion. On other transcripts: 3 prime UTR variant (2).
Genome position (GRCh38, 1-based): chr20:58,910,002-58,910,016, CGCTGAGAAAGTCCT deleted; deleting any 15 consecutive bases within chr20:58,910,000-58,910,016 gives the same sequence; the c. name uses the placement nearest the transcript's 3' end. VCF-style (leftmost placement, unchanged base first): chr20-58909999-GCTCGCTGAGAAAGTC-G. GRCh37 (hg19) VCF-style: chr20-57485054-GCTCGCTGAGAAAGTC-G.
Other names: c.894_908del, p.Glu300_Ala304del (NM_001077488.5); c.846_860del, p.Glu284_Ala288del (NM_001077489.4); c.*752_*766del (NM_001077490.3); c.714_728del, p.Glu240_Ala244del (NM_001309840.2, NM_001309861.2); c.*797_*811del (NM_016592.5); c.2820_2834del, p.Glu942_Ala946del (NM_080425.4); c.849_863del, p.Glu285_Ala289del (NM_080426.4).
Identifiers: ClinVar variation 451917 (VCV000451917.2), dbSNP rs1555891728, ClinGen allele CA658658878.

ClinVar aggregate classification (germline): Likely pathogenic (1 of 4 stars; one submission).

Submission:

GeneDx
Classification: Likely pathogenic. Last evaluated: 2017-09-18. Review status: criteria provided, single submitter. Criteria: GeneDx Variant Classification (06012015). Collection method: clinical testing. Allele origin: germline. Affected: yes.
Comment: The c.891_905del15 variant in the GNAS gene has not been reported previously as a pathogenic variant nor as a benign variant, to our knowledge. The c.891_905del15 variant results in the in-frame deletion of five amino acids, denoted p.Glu299_Ala303del. In silico analysis predicts the deletion of these residues is probably damaging to the protein structure/function. The c.891_905del15 variant is not observed in large population cohorts (Lek et al., 2016; 1000 Genomes Consortium et al., 2015; Exome Variant Server). We interpret c.891_905del15 as a likely pathogenic variant.